The following is an entry in ClinVar:

NM_005045.4(RELN):c.5351+3A>G

Gene: RELN (reelin; minus strand). Cytogenetic location: 7q22.1.
Variant type: single nucleotide variant.
Coding change: c.5351+3A>G on transcript NM_005045.4 (MANE Select); 3 bases into the intron after coding-DNA position 5351, A replaced by G.
Molecular consequence: intron variant.
Genome position (GRCh38, 1-based): chr7:103,561,810, T>C on the plus strand (A>G on the coding strand, the complement: RELN is on the minus strand). VCF-style: chr7-103561810-T-C. GRCh37 (hg19) VCF-style: chr7-103202257-T-C.
Other names: p.?; c.5351+3A>G (NM_173054.3).
Identifiers: ClinVar variation 130128 (VCV000130128.25), dbSNP rs6967725, ClinGen allele CA154923.
Genomic context (GRCh38, chr7:103,561,810, plus strand): 5'-GTTCAACAAGCCATATTTATTTTTGCGTTACAAAGAAAGAAACTGTCAGTTTTATTAACT[T>C]ACACACAGCGTCCAGCATCACAAATCCCTCGTCCTGAGCACATCCAAGGGCACCCTGAGG-3'

ClinVar aggregate classification (germline): Benign. Review status: criteria provided, multiple submitters, no conflicts (2 of 4 stars). 9 submissions from 9 submitters: Benign (6). 3 of the submissions do not count toward it. Last evaluated 2026-02-03.

Conditions:
Epilepsy, familial temporal lobe, 1. Identifiers: Orphanet 101046, MedGen CN030884, MONDO:0700090, OMIM 600512.
Norman-Roberts syndrome (LIS2). Also called: Lissencephaly 2 (Norman-Roberts type). Identifiers: Orphanet 89844, MedGen C0796089, MONDO:0009760, OMIM 257320.
Familial temporal lobe epilepsy 7. Identifiers: Orphanet 101046, MedGen C4225327, MONDO:0014639, OMIM 616436.

Allele frequency attached by ClinVar (database versions not stated): gnomAD exomes 0.00305 and 0.00797; ExAC 0.01004; gnomAD 0.03089 and 0.03307; 1000 Genomes Project 0.03275; TOPMed 0.03449; 1000 Genomes Project 30x 0.03545; ESP Exome Variant Server 0.03714.
gnomAD v4.1: 9,367 of 1,613,812 alleles (0.58%); highest among the groups gnomAD compares: African/African-American, 11%; 468 homozygotes.

Submissions (9):

Labcorp Genetics (formerly Invitae), Labcorp
Classification: Benign for Familial temporal lobe epilepsy 7; Norman-Roberts syndrome. Last evaluated: 2026-02-03. Review status: criteria provided, single submitter. Criteria: Invitae Variant Classification Sherloc (09022015). Collection method: clinical testing. Allele origin: germline.

Fulgent Genetics
Classification: Benign for Norman-Roberts syndrome; Epilepsy, familial temporal lobe, 1; Familial temporal lobe epilepsy 7. Last evaluated: 2021-09-22. Review status: criteria provided, single submitter. Criteria: ACMG Guidelines, 2015. Collection method: clinical testing. Allele origin: unknown.

Mayo Clinic Laboratories, Mayo Clinic
Classification: Benign. Last evaluated: 2018-04-10. Review status: criteria provided, single submitter. Criteria: ACMG Guidelines, 2015. Collection method: clinical testing. Allele origin: germline. Observed: 10 variant alleles.

Illumina Laboratory Services, Illumina
Classification: Benign for Norman-Roberts syndrome. Last evaluated: 2018-01-13. Review status: criteria provided, single submitter. Criteria: ICSL Variant Classification Criteria 13 December 2019. Collection method: clinical testing. Allele origin: germline.
Comment: This variant was observed in the ICSL laboratory as part of a predisposition screen in an ostensibly healthy population. It had not been previously curated by ICSL or reported in the Human Gene Mutation Database (HGMD: prior to June 1st, 2018), and was therefore a candidate for classification through an automated scoring system. Utilizing variant allele frequency, disease prevalence and penetrance estimates, and inheritance mode, an automated score was calculated to assess if this variant is too frequent to cause the disease. Based on the score and internal cut-off values, a variant classified as benign is not then subjected to further curation. The score for this variant resulted in a classification of benign for this disease.

GeneDx
Classification: Benign. Last evaluated: 2014-03-31. Review status: criteria provided, single submitter. Criteria: GeneDx Variant Classification (06012015). Collection method: clinical testing. Allele origin: germline. Affected: yes.
Comment: This variant is considered likely benign or benign based on one or more of the following criteria: it is a conservative change, it occurs at a poorly conserved position in the protein, it is predicted to be benign by multiple in silico algorithms, and/or has population frequency not consistent with disease.

Breakthrough Genomics
Classification: Benign. Review status: criteria provided, single submitter. Criteria: ACMG Guidelines, 2015. Collection method: not provided. Allele origin: germline. Inheritance: Autosomal recessive inheritance. Affected: yes.

Clinical Genetics DNA and cytogenetics Diagnostics Lab, Erasmus MC, Erasmus Medical Center
Classification: Likely benign. Review status: no assertion criteria provided. Collection method: clinical testing. Allele origin: germline. Affected: yes. Study: VKGL Data-share Consensus. Not counted in ClinVar's aggregate classification.

Clinical Genetics, Academic Medical Center
Classification: Benign. Review status: no assertion criteria provided. Collection method: clinical testing. Allele origin: germline. Affected: yes. Study: VKGL Data-share Consensus. Not counted in ClinVar's aggregate classification.

Genetic Services Laboratory, University of Chicago
Classification: Likely benign for AllHighlyPenetrant. Review status: no assertion criteria provided. Collection method: clinical testing. Allele origin: germline. Inheritance: Autosomal recessive inheritance. Not counted in ClinVar's aggregate classification.
Comment: Likely benign based on allele frequency in 1000 Genomes Project or ESP global frequency and its presence in a patient with a rare or unrelated disease phenotype. NOT Sanger confirmed.